The following is an entry in ClinVar:

NM_001354930.2(RIPK1):c.657G>C (p.Trp219Cys)

Gene: RIPK1 (receptor interacting serine/threonine kinase 1; plus strand). Cytogenetic location: 6p25.2.
Variant type: single nucleotide variant.
Coding change: c.657G>C on transcript NM_001354930.2 (MANE Select); coding-DNA position 657, G replaced by C.
Protein change: p.Trp219Cys; replaces tryptophan 219 with cysteine.
Molecular consequence: missense variant.
Genome position (GRCh38, 1-based): chr6:3,083,282, G>C. VCF-style: chr6-3083282-G-C. GRCh37 (hg19) VCF-style: chr6-3083516-G-C.
Other names: c.168G>C, p.Trp56Cys (NM_001317061.3, NM_001354932.2, NM_001354933.2 and 1 more transcripts); c.519G>C, p.Trp173Cys (NM_001354931.2); c.657G>C, p.Trp219Cys (NM_003804.6); short protein forms W56C, W173C, W219C.
Identifiers: ClinVar variation 1345791 (VCV001345791.6), dbSNP rs2113608378, ClinGen allele CA362579395.

ClinVar aggregate classification (germline): Uncertain significance (1 of 4 stars; one submission).

Submission:

Labcorp Genetics (formerly Invitae), Labcorp
Classification: Uncertain significance. Last evaluated: 2020-11-11. Review status: criteria provided, single submitter. Criteria: Invitae Variant Classification Sherloc (09022015). Collection method: clinical testing. Allele origin: germline.
Comment: In summary, the available evidence is currently insufficient to determine the role of this variant in disease. Therefore, it has been classified as a Variant of Uncertain Significance. Algorithms developed to predict the effect of missense changes on protein structure and function are either unavailable or do not agree on the potential impact of this missense change (SIFT: "Not Available"; PolyPhen-2: "Probably Damaging"; Align-GVGD: "Not Available"). This variant has not been reported in the literature in individuals with RIPK1-related conditions. This variant is not present in population databases (ExAC no frequency). This sequence change replaces tryptophan with cysteine at codon 219 of the RIPK1 protein (p.Trp219Cys). The tryptophan residue is highly conserved and there is a large physicochemical difference between tryptophan and cysteine.